The following is an entry in ClinVar:

NM_001100913.3(PACS2):c.2334C>T (p.Asp778=)

Gene: PACS2 (phosphofurin acidic cluster sorting protein 2; plus strand). Cytogenetic location: 14q32.33.
Variant type: single nucleotide variant.
Coding change: c.2334C>T on transcript NM_001100913.3 (MANE Select); coding-DNA position 2334, C replaced by T.
Protein change: p.Asp778=; no amino-acid change (aspartic acid 778 retained).
Molecular consequence: synonymous variant.
Genome position (GRCh38, 1-based): chr14:105,392,697, C>T. VCF-style: chr14-105392697-C-T. GRCh37 (hg19) VCF-style: chr14-105859034-C-T.
Other names: c.2064C>T, p.Asp688= (NM_001243127.3); c.2289C>T, p.Asp763= (NM_015197.4).
Identifiers: ClinVar variation 3019326 (VCV003019326.4), dbSNP rs782639272, ClinGen allele CA7389244.

ClinVar aggregate classification (germline): Likely benign. Review status: criteria provided, multiple submitters, no conflicts (2 of 4 stars). 2 submissions from 2 submitters: Likely benign (2). Last evaluated 2026-06-01.

Allele frequency attached by ClinVar (database versions not stated): gnomAD exomes 0.00001; TOPMed 0.00001; gnomAD 0.00003; ExAC 0.00006.
gnomAD v4.1: 22 of 1,612,692 alleles (0.0014%); highest among the groups gnomAD compares: Middle Eastern, 0.016%; no homozygotes.

Submissions (2):

CeGaT Center for Human Genetics Tuebingen
Classification: Likely benign. Last evaluated: 2026-06-01. Review status: criteria provided, single submitter. Criteria: CeGaT Center For Human Genetics Tuebingen Variant Classification Criteria Version 2. Collection method: clinical testing. Allele origin: germline. Affected: yes. Observed: 1 variant allele.
Comment: PACS2: BP4, BP7

Labcorp Genetics (formerly Invitae), Labcorp
Classification: Likely benign. Last evaluated: 2026-01-09. Review status: criteria provided, single submitter. Criteria: Invitae Variant Classification Sherloc (09022015). Collection method: clinical testing. Allele origin: germline.